The following is an entry in ClinVar:

ClinVar aggregate classification (germline): Pathogenic/Likely pathogenic. Review status: criteria provided, multiple submitters, no conflicts (2 of 4 stars). 3 submissions from 3 submitters: Pathogenic (1); Likely pathogenic (2). Last evaluated 2025-09-12.

Submissions (3):

Centre of Medical Genetics, University Hospital Muenster
Classification: Likely pathogenic. Last evaluated: 2025-09-12. Review status: criteria provided, single submitter. Criteria: ACMG Guidelines, 2015. Collection method: clinical testing. Allele origin: de novo. Affected: yes. Observed: 1 variant allele, 1 heterozygote.
Comment: ACMG categories: PS2,PM2_sup,PP3

CeGaT Center for Human Genetics Tuebingen
Classification: Likely pathogenic. Last evaluated: 2023-07-01. Review status: criteria provided, single submitter. Criteria: CeGaT Center For Human Genetics Tuebingen Variant Classification Criteria Version 2. Collection method: clinical testing. Allele origin: germline. Affected: yes. Observed: 1 variant allele.
Comment: STAG2: PS2, PM2, PP3

Labcorp Genetics (formerly Invitae), Labcorp
Classification: Pathogenic. Last evaluated: 2022-11-02. Review status: criteria provided, single submitter. Criteria: Invitae Variant Classification Sherloc (09022015). Collection method: clinical testing. Allele origin: germline.
Comment: For these reasons, this variant has been classified as Pathogenic. Variants that disrupt the consensus splice site are a relatively common cause of aberrant splicing (PMID: 17576681, 9536098). Algorithms developed to predict the effect of sequence changes on RNA splicing suggest that this variant may disrupt the consensus splice site. This variant has been observed in individual(s) with clinical features of STAG2-related conditions (Invitae). In at least one individual the variant was observed to be de novo. This variant is not present in population databases (gnomAD no frequency). This sequence change falls in intron 13 of the STAG2 gene. It does not directly change the encoded amino acid sequence of the STAG2 protein. It affects a nucleotide within the consensus splice site.

Literature cited by the submitters: PubMed 17576681 (cited by Labcorp Genetics (formerly Invitae), Labcorp); PubMed 9536098 (cited by Labcorp Genetics (formerly Invitae), Labcorp).

NM_001042750.2(STAG2):c.1196+4_1196+7del

Gene: STAG2 (STAG2 cohesin complex component; plus strand). Cytogenetic location: Xq25.
Variant type: Microsatellite.
Coding change: c.1196+4_1196+7del on transcript NM_001042750.2 (MANE Select); bases 4 to 7 of the intron after coding-DNA position 1196, 4 bases deleted (AGTA; older notation c.1196+4_1196+7delAGTA).
Molecular consequence: splice donor variant.
Genome position (GRCh38, 1-based): chrX:124,051,398-124,051,401, AGTA deleted; deleting any 4 consecutive bases within chrX:124,051,394-124,051,401 gives the same sequence; the c. name uses the placement nearest the transcript's 3' end. VCF-style (leftmost placement, unchanged base first): chrX-124051393-CAGTA-C. GRCh37 (hg19) VCF-style: chrX-123185243-CAGTA-C.
Other names: c.1196+4_1196+7del (NM_001042749.2, NM_001375366.1, NM_001375373.1 and 13 more transcripts).
Identifiers: ClinVar variation 2129851 (VCV002129851.33), dbSNP rs2058033367, ClinGen allele CA2456107912.